The following is an entry in ClinVar:

NM_016006.6(ABHD5):c.774del (p.Ser258fs)

Gene: ABHD5 (abhydrolase domain containing 5, lysophosphatidic acid acyltransferase; plus strand). Cytogenetic location: 3p21.33.
Variant type: Deletion.
Coding change: c.774del on transcript NM_016006.6 (MANE Select); coding-DNA position 774, one base deleted (T; older notation c.774delT).
Protein change: p.Ser258fs; shifts the reading frame from serine 258.
Molecular consequence: frameshift variant. On other transcripts: non-coding transcript variant (1), intron variant (1).
Genome position (GRCh38, 1-based): chr3:43,717,671, T deleted. VCF-style (leftmost placement, unchanged base first): chr3-43717670-GT-G. GRCh37 (hg19) VCF-style: chr3-43759162-GT-G.
Other names: c.774del, p.Ser258fs (NM_001355186.2); c.651del, p.Ser217fs (NM_001365649.1); c.774-772del (NM_001365650.1); short protein forms S217fs, S258fs.
Identifiers: ClinVar variation 3660533 (VCV003660533.2).

ClinVar aggregate classification (germline): Pathogenic (1 of 4 stars; one submission).

Submission:

Labcorp Genetics (formerly Invitae), Labcorp
Classification: Pathogenic. Last evaluated: 2024-07-24. Review status: criteria provided, single submitter. Criteria: Invitae Variant Classification Sherloc (09022015). Collection method: clinical testing. Allele origin: germline.
Comment: This sequence change creates a premature translational stop signal (p.Ser258Argfs*9) in the ABHD5 gene. It is expected to result in an absent or disrupted protein product. Loss-of-function variants in ABHD5 are known to be pathogenic (PMID: 11590543). This variant is not present in population databases (gnomAD no frequency). This variant has not been reported in the literature in individuals affected with ABHD5-related conditions. Algorithms developed to predict the effect of sequence changes on RNA splicing suggest that this variant may disrupt the consensus splice site. For these reasons, this variant has been classified as Pathogenic.

Literature cited by the submitters: PubMed 11590543.